The following is an entry in ClinVar:

ClinVar aggregate classification (germline): Likely benign (1 of 4 stars; one submission).

gnomAD v4.1: 1 of 1,612,636 alleles (0.000062%); highest among the groups gnomAD compares: Non-Finnish European, 0.000085%; no homozygotes.

Submission:

Mayo Clinic Laboratories, Mayo Clinic
Classification: Likely benign. Last evaluated: 2025-07-14. Review status: criteria provided, single submitter. Criteria: ACMG Guidelines, 2015. Collection method: clinical testing. Allele origin: germline. Observed: 1 variant allele.
Comment: BP4, BP7

NM_001278064.2(GRM1):c.1602+3A>G

Genes: GRM1 (glutamate metabotropic receptor 1; plus strand), LOC126859821 (MED14-independent group 3 enhancer GRCh37_chr6:146678820-146680019; plus strand). Cytogenetic location: 6q24.3.
Variant type: single nucleotide variant.
Coding change: c.1602+3A>G on transcript NM_001278064.2 (MANE Select); 3 bases into the intron after coding-DNA position 1602, A replaced by G.
Molecular consequence: intron variant.
Genome position (GRCh38, 1-based): chr6:146,357,697, A>G. VCF-style: chr6-146357697-A-G. GRCh37 (hg19) VCF-style: chr6-146678833-A-G.
Other names: p.?; c.1602+3A>G (NM_001278065.2, NM_001278066.1, NM_001278067.1).
Identifiers: ClinVar variation 4683224 (VCV004683224.1).